The following is an entry in ClinVar:

ClinVar aggregate classification (germline): Uncertain significance. Review status: criteria provided, multiple submitters, no conflicts (2 of 4 stars). 3 submissions from 3 submitters: Uncertain significance (2). 1 of the submissions does not count toward it. Last evaluated 2026-09-22.

Conditions:
MYO7A-related disorder. Also called: MYO7A-related disorders.
Usher syndrome type 1 (USH1). Also called: RETINITIS PIGMENTOSA AND CONGENITAL DEAFNESS. Identifiers: Orphanet 231169, Orphanet 886, MedGen C1568247, MONDO:0010168, OMIM 276900.
Autosomal recessive nonsyndromic hearing loss 2. Also called: DEAFNESS, AUTOSOMAL RECESSIVE 2; NEUROSENSORY NONSYNDROMIC RECESSIVE DEAFNESS 2. Identifiers: Orphanet 90636, MedGen C1838701, MONDO:0010807, OMIM 600060.

Allele frequency attached by ClinVar (database versions not stated): ExAC below 0.00001; gnomAD 0.00001; gnomAD exomes 0.00001; TOPMed 0.00002.
gnomAD v4.1: 13 of 1,569,590 alleles (0.00083%); highest among the groups gnomAD compares: African/African-American, 0.0014%; no homozygotes.

Submissions (3):

PreventionGenetics, part of Exact Sciences
Classification: Uncertain significance for MYO7A-related condition. Last evaluated: 2026-09-22. Review status: criteria provided, single submitter. Criteria: ACMG Guidelines, 2015. Collection method: clinical testing. Allele origin: germline.
Comment: The MYO7A c.3397G>A variant is predicted to result in the amino acid substitution p.Gly1133Arg. This variant, along with a second MYO7A variant, was reported in an individual with unilateral microtia (Wang et al. 2017. PubMed ID: 28968992). This variant is reported in 0.011% of alleles in individuals of African descent in gnomAD. At this time, the clinical significance of this variant is uncertain due to the absence of conclusive functional and genetic evidence.

Labcorp Genetics (formerly Invitae), Labcorp
Classification: Uncertain significance. Last evaluated: 2022-08-22. Review status: criteria provided, single submitter. Criteria: Invitae Variant Classification Sherloc (09022015). Collection method: clinical testing. Allele origin: germline.
Comment: This sequence change replaces glycine, which is neutral and non-polar, with arginine, which is basic and polar, at codon 1133 of the MYO7A protein (p.Gly1133Arg). This variant is present in population databases (rs782313913, gnomAD 0.01%). This missense change has been observed in individual(s) with MYO7A-related conditions (PMID: 28968992, 30358468). ClinVar contains an entry for this variant (Variation ID: 558149). Advanced modeling of protein sequence and biophysical properties (such as structural, functional, and spatial information, amino acid conservation, physicochemical variation, residue mobility, and thermodynamic stability) performed at Invitae indicates that this missense variant is expected to disrupt MYO7A protein function. In summary, the available evidence is currently insufficient to determine the role of this variant in disease. Therefore, it has been classified as a Variant of Uncertain Significance.

Counsyl
Classification: Uncertain significance for Usher syndrome type 1; Autosomal recessive nonsyndromic hearing loss 2. Last evaluated: 2018-05-01. Review status: no assertion criteria provided. Collection method: clinical testing. Allele origin: unknown. Not counted in ClinVar's aggregate classification.

Literature cited by the submitters: PubMed 28968992 (cited by Labcorp Genetics (formerly Invitae), Labcorp and Counsyl); PubMed 30358468 (cited by Labcorp Genetics (formerly Invitae), Labcorp).

NM_000260.4(MYO7A):c.3397G>A (p.Gly1133Arg)

Gene: MYO7A (myosin VIIA; plus strand). Cytogenetic location: 11q13.5.
Variant type: single nucleotide variant.
Coding change: c.3397G>A on transcript NM_000260.4 (MANE Select); coding-DNA position 3397, G replaced by A.
Protein change: p.Gly1133Arg; replaces glycine 1133 with arginine.
Molecular consequence: missense variant.
Genome position (GRCh38, 1-based): chr11:77,184,609, G>A. VCF-style: chr11-77184609-G-A. GRCh37 (hg19) VCF-style: chr11-76895654-G-A.
Other names: c.3397G>A, p.Gly1133Arg (NM_001127180.2); c.3364G>A, p.Gly1122Arg (NM_001369365.1); short protein forms G1133R, G1122R.
Identifiers: ClinVar variation 558149 (VCV000558149.5), dbSNP rs782313913, ClinGen allele CA6198057.